The following is an entry in ClinVar:

ClinVar aggregate classification (germline): Pathogenic (1 of 4 stars; one submission).

Submission:

Mayo Clinic Laboratories, Mayo Clinic
Classification: Pathogenic. Last evaluated: 2020-10-09. Review status: criteria provided, single submitter. Criteria: ACMG Guidelines, 2015. Collection method: clinical testing. Allele origin: germline. Observed: 1 variant allele.
Comment: PM1_strong, PM2, PP1, PP2, PP3, PP4

NM_000138.5(FBN1):c.1851T>G (p.Cys617Trp)

Gene: FBN1 (fibrillin 1; minus strand). Cytogenetic location: 15q21.1.
Variant type: single nucleotide variant.
Coding change: c.1851T>G on transcript NM_000138.5 (MANE Select); coding-DNA position 1851, T replaced by G.
Protein change: p.Cys617Trp; replaces cysteine 617 with tryptophan.
Molecular consequence: missense variant.
Genome position (GRCh38, 1-based): chr15:48,505,134, A>C on the plus strand (T>G on the coding strand, the complement: FBN1 is on the minus strand). VCF-style: chr15-48505134-A-C. GRCh37 (hg19) VCF-style: chr15-48797331-A-C.
Other names: short protein forms C617W.
Identifiers: ClinVar variation 1163382 (VCV001163382.5), dbSNP rs2141317460, ClinGen allele CA392339183.
Genomic context (GRCh38, chr15:48,505,134, plus strand): 5'-ACATCTGTAGGAGCCATCAGTGTTGACGCAACGCCCATTCATGCAGATCCCAGGGGTTTC[A>C]CACTCGTTAATGTCTGTGGCAGAGAAAGGCACTTATTAAAAATGAAGTGACATTTATCTA-3'
Protein context (NP_000129.3, residues 607-627): DGRYCKDINE[Cys617Trp]ETPGICMNGR